The following is an entry in ClinVar:

ClinVar aggregate classification (germline): Likely pathogenic. Review status: criteria provided, single submitter (1 of 4 stars). 2 submissions from 2 submitters: Likely pathogenic (1). 1 of the submissions does not count toward it. Last evaluated 2021-10-02.

Conditions:
EMC10-related disorder. Also called: EMC10-related condition.
Neurodevelopmental disorder with dysmorphic facies and variable seizures (NEDDFAS). Also called: EMC10-Related Neurodevelopmental Disorder. Identifiers: MedGen C5543268, MONDO:0031011, OMIM 619264.

Allele frequency attached by ClinVar (database versions not stated): gnomAD exomes 0.00001.
gnomAD v4.1: 5 of 1,560,824 alleles (0.00032%); highest among the groups gnomAD compares: East Asian, 0.0047%; no homozygotes.

Submissions (2):

3billion
Classification: Likely pathogenic for Neurodevelopmental disorder with dysmorphic facies and variable seizures. Last evaluated: 2021-10-02. Review status: criteria provided, single submitter. Criteria: ACMG Guidelines, 2015. Collection method: clinical testing. Allele origin: unknown. Affected: yes. Observed: 1 heterozygote.
Comment: Stop-gained (nonsense): predicted to result in a loss or disruption of normal protein function through nonsense-mediated decay (NMD) or protein truncation. Multiple pathogenic variants are reported downstream of the variant (PVS1_VS). It is observed at an extremely low frequency in the gnomAD v2.1.1 dataset (total allele frequency: 0.0000058, PM2). Therefore, this variant is classified as likely pathogenic according to the recommendation of ACMG/AMP guideline.

PreventionGenetics, part of Exact Sciences
Classification: Likely pathogenic for EMC10-related condition. Last evaluated: 2024-02-09. Review status: no assertion criteria provided. Collection method: clinical testing. Allele origin: germline. Not counted in ClinVar's aggregate classification.
Comment: The EMC10 c.70C>T variant is predicted to result in premature protein termination (p.Arg24*). To our knowledge this variant has not been reported in the literature. This variant is reported in 1 out ~171,000 of alleles in individuals in gnomAD (Other Population). Nonsense variants in EMC10 are expected to be pathogenic. This variant is interpreted as likely pathogenic.

NM_206538.4(EMC10):c.70C>T (p.Arg24Ter)

Genes: EMC10 (ER membrane protein complex subunit 10; plus strand), GARIN5A (golgi associated RAB2 interactor 5A; minus strand). Cytogenetic location: 19q13.33.
Variant type: single nucleotide variant.
Coding change: c.70C>T on transcript NM_206538.4 (MANE Select); coding-DNA position 70, C replaced by T.
Protein change: p.Arg24Ter; replaces arginine 24 with a stop codon.
Molecular consequence: nonsense. On other transcripts: 5 prime UTR variant (2).
Genome position (GRCh38, 1-based): chr19:50,476,614, C>T. VCF-style: chr19-50476614-C-T. GRCh37 (hg19) VCF-style: chr19-50979871-C-T.
Other names: c.-226G>A (NM_001308429.2, NM_138411.3); c.70C>T, p.Arg24Ter (NM_175063.6); short protein forms R24*.
Identifiers: ClinVar variation 1320121 (VCV001320121.3), dbSNP rs953380956, ClinGen allele CA406985908.